The following is an entry in ClinVar:

ClinVar aggregate classification (germline): Likely pathogenic (1 of 4 stars; one submission).

Conditions:
Early-infantile DEE. Also called: Ohtahara syndrome; Early infantile epileptic encephalopathy; Early infantile epileptic encephalopathy with suppression bursts. Identifiers: Orphanet 1934, MedGen C0393706, MONDO:0800491.

Submission:

Labcorp Genetics (formerly Invitae), Labcorp
Classification: Likely pathogenic for Early-infantile DEE. Last evaluated: 2023-11-06. Review status: criteria provided, single submitter. Criteria: Invitae Variant Classification Sherloc (09022015). Collection method: clinical testing. Allele origin: germline.
Comment: This sequence change affects a splice site in intron 4 of the KCNQ2 gene. It is expected to disrupt RNA splicing. Variants that disrupt the donor or acceptor splice site typically lead to a loss of protein function (PMID: 16199547), and loss-of-function variants in KCNQ2 are known to be pathogenic (PMID: 14534157, 23692823, 27779742). This variant is not present in population databases (gnomAD no frequency). This variant has not been reported in the literature in individuals affected with KCNQ2-related conditions. In summary, the currently available evidence indicates that the variant is pathogenic, but additional data are needed to prove that conclusively. Therefore, this variant has been classified as Likely Pathogenic.

Literature cited by the submitters: PubMed 16199547; PubMed 14534157; PubMed 23692823; PubMed 27779742.

NM_172107.4(KCNQ2):c.690+2_690+19del

Gene: KCNQ2 (potassium voltage-gated channel subfamily Q member 2; minus strand). Cytogenetic location: 20q13.33.
Variant type: Deletion.
Coding change: c.690+2_690+19del on transcript NM_172107.4 (MANE Select); the canonical splice donor site of the intron after coding-DNA position 690 through 19 bases into the intron after coding-DNA position 690, 18 bases deleted (TGAGTCACGGCCCCAAGG).
Molecular consequence: splice donor variant.
Genome position (GRCh38, 1-based): chr20:63,444,640-63,444,657, CCTTGGGGCCGTGACTCA deleted on the plus strand (TGAGTCACGGCCCCAAGG on the coding strand, the reverse complement: KCNQ2 is on the minus strand); deleting any 18 consecutive bases within chr20:63,444,640-63,444,662 gives the same sequence; the c. name uses the placement nearest the transcript's 3' end. VCF-style (leftmost placement, unchanged base first): chr20-63444639-GCCTTGGGGCCGTGACTCA-G. GRCh37 (hg19) VCF-style: chr20-62075992-GCCTTGGGGCCGTGACTCA-G.
Other names: c.690+2_690+19del (NM_004518.6, NM_172108.5, NM_172106.3 and 2 more transcripts).
Identifiers: ClinVar variation 2772415 (VCV002772415.3), dbSNP rs2516501169, ClinGen allele CA2697547461.